The following is an entry in ClinVar:

NM_005562.3(LAMC2):c.1555T>C (p.Cys519Arg)

Gene: LAMC2 (laminin subunit gamma 2; plus strand). Cytogenetic location: 1q25.3.
Variant type: single nucleotide variant.
Coding change: c.1555T>C on transcript NM_005562.3 (MANE Select); coding-DNA position 1555, T replaced by C.
Protein change: p.Cys519Arg; replaces cysteine 519 with arginine.
Molecular consequence: missense variant.
Genome position (GRCh38, 1-based): chr1:183,228,460, T>C. VCF-style: chr1-183228460-T-C. GRCh37 (hg19) VCF-style: chr1-183197595-T-C.
Other names: c.1555T>C, p.Cys519Arg (NM_018891.3); short protein forms C519R.
Identifiers: ClinVar variation 875130 (VCV000875130.6), dbSNP rs139464408, ClinGen allele CA1282663.

ClinVar aggregate classification (germline): Uncertain significance. Review status: criteria provided, multiple submitters, no conflicts (2 of 4 stars). 3 submissions from 3 submitters: Uncertain significance (3). Last evaluated 2025-05-26.

Conditions:
Junctional epidermolysis bullosa. Identifiers: Orphanet 305, MedGen C0079301, MONDO:0017612.
Inborn genetic diseases. Identifiers: MedGen C0950123, MeSH D030342.

Allele frequency attached by ClinVar (database versions not stated): gnomAD 0.00012 and 0.00013; TOPMed 0.00006; ExAC 0.00027; ESP Exome Variant Server 0.00008; gnomAD exomes 0.00010 and 0.00020.

Submissions (3):

Ambry Genetics
Classification: Uncertain significance for Inborn genetic diseases. Last evaluated: 2025-05-26. Review status: criteria provided, single submitter. Criteria: Ambry Variant Classification Scheme 2023. Collection method: clinical testing. Allele origin: germline.

Labcorp Genetics (formerly Invitae), Labcorp
Classification: Uncertain significance. Last evaluated: 2024-01-03. Review status: criteria provided, single submitter. Criteria: Invitae Variant Classification Sherloc (09022015). Collection method: clinical testing. Allele origin: germline.
Comment: This sequence change replaces cysteine, which is neutral and slightly polar, with arginine, which is basic and polar, at codon 519 of the LAMC2 protein (p.Cys519Arg). This variant is present in population databases (rs139464408, gnomAD 0.08%). This variant has not been reported in the literature in individuals affected with LAMC2-related conditions. ClinVar contains an entry for this variant (Variation ID: 875130). Advanced modeling of protein sequence and biophysical properties (such as structural, functional, and spatial information, amino acid conservation, physicochemical variation, residue mobility, and thermodynamic stability) performed at Invitae indicates that this missense variant is expected to disrupt LAMC2 protein function with a positive predictive value of 80%. In summary, the available evidence is currently insufficient to determine the role of this variant in disease. Therefore, it has been classified as a Variant of Uncertain Significance.

Illumina Laboratory Services, Illumina
Classification: Uncertain significance for Junctional epidermolysis bullosa. Last evaluated: 2018-01-13. Review status: criteria provided, single submitter. Criteria: ICSL Variant Classification Criteria 13 December 2019. Collection method: clinical testing. Allele origin: germline.